The following is an entry in ClinVar:

ClinVar aggregate classification (germline): Uncertain significance (1 of 4 stars; one submission).

Conditions:
Cardiovascular phenotype. Identifiers: MedGen CN230736.

Allele frequency attached by ClinVar (database versions not stated): gnomAD 0.00001; gnomAD exomes 0.00001.
gnomAD v4.1: 9 of 1,612,940 alleles (0.00056%); highest among the groups gnomAD compares: African/African-American, 0.0013%; no homozygotes.

Submission:

Ambry Genetics
Classification: Uncertain significance for Cardiovascular phenotype. Last evaluated: 2024-03-01. Review status: criteria provided, single submitter. Criteria: Ambry Variant Classification Scheme 2023. Collection method: clinical testing. Allele origin: germline.
Comment: The p.S2709T variant (also known as c.8125T>A), located in coding exon 22 of the TNXB gene, results from a T to A substitution at nucleotide position 8125. The serine at codon 2709 is replaced by threonine, an amino acid with similar properties. This amino acid position is conserved. In addition, this alteration is predicted to be tolerated by in silico analysis. Based on the available evidence, the clinical significance of this alteration remains unclear.

NM_001365276.2(TNXB):c.8125T>A (p.Ser2709Thr)

Gene: TNXB (tenascin XB; minus strand). Cytogenetic location: 6p21.33.
Variant type: single nucleotide variant.
Coding change: c.8125T>A on transcript NM_001365276.2 (MANE Select); coding-DNA position 8125, T replaced by A.
Protein change: p.Ser2709Thr; replaces serine 2709 with threonine.
Molecular consequence: missense variant.
Genome position (GRCh38, 1-based): chr6:32,056,604, A>T on the plus strand (T>A on the coding strand, the complement: TNXB is on the minus strand). VCF-style: chr6-32056604-A-T. GRCh37 (hg19) VCF-style: chr6-32024381-A-T.
Other names: c.8866T>A, p.Ser2956Thr (NM_001428335.1); c.8125T>A, p.Ser2709Thr (NM_019105.8); short protein forms S2709T, S2956T.
Identifiers: ClinVar variation 3227333 (VCV003227333.1), dbSNP rs1336503606, ClinGen allele CA363549683.